The following is an entry in ClinVar:

NM_001267550.2(TTN):c.31847-7C>T

Gene: TTN (titin; minus strand). Cytogenetic location: 2q31.2.
Variant type: single nucleotide variant.
Coding change: c.31847-7C>T on transcript NM_001267550.2 (MANE Select); 7 bases into the intron before coding-DNA position 31847, C replaced by T.
Molecular consequence: intron variant.
Genome position (GRCh38, 1-based): chr2:178,689,602, G>A on the plus strand (C>T on the coding strand, the complement: TTN is on the minus strand). VCF-style: chr2-178689602-G-A. GRCh37 (hg19) VCF-style: chr2-179554329-G-A.
Other names: c.30896-7C>T (NM_001256850.1); c.13283-47285C>T (NM_003319.4); c.13859-47285C>T (NM_133437.4); c.13658-47285C>T (NM_133432.3); c.28115-7C>T (NM_133378.4).
Identifiers: ClinVar variation 3381877 (VCV003381877.2).

ClinVar aggregate classification (germline): Uncertain significance (1 of 4 stars; one submission).

Conditions:
Autosomal recessive limb-girdle muscular dystrophy type 2J (LGMDR10). Also called: Limb-girdle muscular dystrophy, type 2J; MUSCULAR DYSTROPHY, LIMB-GIRDLE, AUTOSOMAL RECESSIVE 10. Identifiers: Orphanet 140922, MedGen C1837342, MONDO:0012127, OMIM 608807.

Submission:

Juno Genomics, Hangzhou Juno Genomics, Inc
Classification: Uncertain significance for Autosomal recessive limb-girdle muscular dystrophy type 2J. Review status: criteria provided, single submitter. Criteria: ACMG Guidelines, 2015. Collection method: clinical testing. Allele origin: germline. Affected: yes.
Comment: Absent from controls (or at extremely low frequency if recessive) in Genome Aggregation Database, Exome Sequencing Project, 1000 Genomes Project, or Exome Aggregation Consortium.;For recessive disorders, detected in trans with a pathogenic variant.